The following is an entry in ClinVar:

NM_007294.4(BRCA1):c.165G>A (p.Lys55=)

Gene: BRCA1 (BRCA1 DNA repair associated; minus strand). Cytogenetic location: 17q21.31.
Variant type: single nucleotide variant.
Coding change: c.165G>A on transcript NM_007294.4 (MANE Select); coding-DNA position 165, G replaced by A.
Protein change: p.Lys55=; no amino-acid change (lysine 55 retained).
Molecular consequence: synonymous variant. On other transcripts: intron variant (34), 5 prime UTR variant (61).
Genome position (GRCh38, 1-based): chr17:43,106,503, C>T on the plus strand (G>A on the coding strand, the complement: BRCA1 is on the minus strand). VCF-style: chr17-43106503-C-T. GRCh37 (hg19) VCF-style: chr17-41258520-C-T.
Other names: c.-218-11643G>A (NM_001407966.1, NM_001407967.1); c.-169-1547G>A (NM_001407963.1, NM_001407960.1, NM_001407965.1 and 4 more transcripts); c.135-1547G>A (NM_001408413.1, NM_001407660.1, NM_001407661.1 and 21 more transcripts); c.-24G>A (NM_001407571.1, NM_001407853.1, NM_001407879.1 and 58 more transcripts); c.165G>A, p.Lys55= (NM_001407581.1, NM_001407582.1, NM_001407583.1 and 168 more transcripts); c.24G>A, p.Lys8= (NM_001407692.1, NM_001407694.1, NM_001407695.1 and 99 more transcripts); c.81-1547G>A (NM_001408451.1).
Identifiers: ClinVar variation 819737 (VCV000819737.13), dbSNP rs1597900495, ClinGen allele CA500128182.
Genomic context (GRCh38, chr17:43,106,503, plus strand): 5'-CCAAATTATATACCTTTTGGTTATATCATTCTTACATAAAGGACACTGTGAAGGCCCTTT[C>T]TTCTGGTTGAGAAGTTTCAGCATGCAAAATCTATAAATTATAAAGAAAGAAAGAACAATT-3'
Protein context (NP_009225.1, residues 45-65): KFCMLKLLNQ[Lys55=]KGPSQCPLCK

ClinVar aggregate classification (germline): Uncertain significance. Review status: criteria provided, multiple submitters, no conflicts (2 of 4 stars). 3 submissions from 3 submitters: Uncertain significance (3). Last evaluated 2024-05-14.

Conditions:
Hereditary cancer-predisposing syndrome. Also called: Hereditary Cancer Syndrome; Hereditary neoplastic syndrome; Neoplastic Syndromes, Hereditary; Tumor predisposition. Identifiers: Orphanet 140162, MedGen C0027672, MeSH D009386, MONDO:0015356.
Hereditary breast ovarian cancer syndrome. Also called: BRCA1- and BRCA2-Associated Hereditary Breast and Ovarian Cancer; Hereditary breast and ovarian cancer syndrome (HBOC); Hereditary breast and ovarian cancer syndrome; Breast and ovarian cancer; Hereditary breast and ovarian cancer; Hereditary breast and/or ovarian cancer syndrome. Identifiers: Orphanet 145, MedGen C0677776, MeSH D061325, MONDO:0003582. Disease mechanism: loss of function.

Submissions (4):

Color Diagnostics, LLC DBA Color Health
Classification: Uncertain significance for Hereditary cancer-predisposing syndrome. Last evaluated: 2024-05-14. Review status: criteria provided, single submitter. Criteria: ACMG Guidelines, 2015. Collection method: clinical testing. Allele origin: germline.
Comment: This synonymous variant causes a G>T nucleotide change in exon 4 of the BRCA1 gene. Splice site prediction tools indicate that this variant may disrupt the intron 3 splice acceptor site. A minigene splicing assay has reported that this variant causes the in-frame skipping of exon 4 that is predicted to impact the RING domain of the BRCA1 protein (PMID: 20215541). A functional study has reported that this variant does not impact BRCA1 function in a haploid cell proliferation assay (PMID: 30219179). This variant has not been reported in individuals affected with BRCA1-related disorders in the literature. This variant has not been identified in the general population by the Genome Aggregation Database (gnomAD). The available evidence is insufficient to determine the role of this variant in disease conclusively. Therefore, this variant is classified as a Variant of Uncertain Significance.

Labcorp Genetics (formerly Invitae), Labcorp
Classification: Uncertain significance for Hereditary breast ovarian cancer syndrome. Last evaluated: 2023-10-10. Review status: criteria provided, single submitter. Criteria: Invitae Variant Classification Sherloc (09022015). Collection method: clinical testing. Allele origin: germline.
Comment: This sequence change affects codon 55 of the BRCA1 mRNA. It is a 'silent' change, meaning that it does not change the encoded amino acid sequence of the BRCA1 protein. This variant is not present in population databases (gnomAD no frequency). This variant has been observed in individual(s) with breast cancer in the Breast Cancer Information Core database (PMID: 10923033). This variant is also known as c.284G>A. ClinVar contains an entry for this variant (Variation ID: 819737). Algorithms developed to predict the effect of variants on protein structure and function are not available or were not evaluated for this variant. Experimental studies have shown that this variant does not substantially affect BRCA1 function (PMID: 30209399). Studies have shown that this variant is associated with altered splicing resulting in unknown protein product impact (PMID: 20215541; Invitae). In summary, the available evidence is currently insufficient to determine the role of this variant in disease. Therefore, it has been classified as a Variant of Uncertain Significance.

Ambry Genetics
Classification: Uncertain significance for Hereditary cancer-predisposing syndrome. Last evaluated: 2022-03-10. Review status: criteria provided, single submitter. Criteria: Ambry Variant Classification Scheme 2023. Collection method: clinical testing. Allele origin: germline.
Comment: The c.165G>A variant (also known as p.K55K), located in coding exon 3, results from a G to A substitution at nucleotide position 165 of the BRCA1 gene. This nucleotide substitution does not change the amino acid at codon 55. This nucleotide position is well conserved in available vertebrate species. This alteration was determined to be functional in a high throughput genome editing haploid cell survival assay (Findlay GM et al. Nature 2018 10;562(7726):217-222); however a study using lymphocyte reverse transcription and hybrid minigene assays found this alteration to cause skipping of exon 5 (Sanz DJ et al. Clin. Cancer Res., 2010 Mar;16:1957-67). RNA studies have demonstrated that this alteration results in an incomplete splice defect; the clinical impact of this abnormal splicing is unknown at this time (Ambry internal data). Additionally, In silico splice site analysis predicts that this alteration may weaken the native splice acceptor site. Since supporting evidence is limited at this time, the clinical significance of this alteration remains unclear.

Brotman Baty Institute, University of Washington
No classification provided (evidence only). Condition: Breast-ovarian cancer, familial 1. Review status: no classification provided. Collection method: in vitro. Allele origin: not applicable. Functional consequence: functionally_normal. Not counted in ClinVar's aggregate classification.
ClinVar note: "not provided" was previously submitted as the classification for the variant. However, the classification appeared to be based only on an observation of functional data so it was converted to no classification on 2025-07-30.

Literature cited by the submitters: PubMed 20215541 (cited by 3 submitters); PubMed 30219179 (cited by Color Diagnostics, LLC DBA Color Health); PubMed 10923033 (cited by Labcorp Genetics (formerly Invitae), Labcorp); PubMed 30209399 (cited by Labcorp Genetics (formerly Invitae), Labcorp).